The following is an entry in ClinVar:

ClinVar aggregate classification (germline): Pathogenic (1 of 4 stars; one submission).

Conditions:
Deficiency of alpha-mannosidase (MANSA). Also called: LYSOSOMAL ALPHA-D-MANNOSIDASE DEFICIENCY; Alpha-Mannosidosis; Mannosidosis, alpha-, types I and II. Identifiers: Orphanet 61, MedGen C0024748, MONDO:0009561, OMIM 248500.

Submission:

Myriad Genetics, Inc.
Classification: Pathogenic for Deficiency of alpha-mannosidase. Last evaluated: 2023-09-05. Review status: criteria provided, single submitter. Criteria: Myriad Autosomal Dominant, Autosomal Recessive and X-Linked Classification Criteria (2023). Collection method: clinical testing. Allele origin: unknown.
Comment: NM_000528.3(MAN2B1):c.1472_1473insTC(F492Pfs*6) is expected to be pathogenic in the context of alpha-mannosidosis. This variant is predicted to lead to an abnormal or absent protein product due to the creation of a premature termination codon in MAN2B1, a gene where loss-of-function variants are known to be pathogenic. Please note: this variant was assessed in the context of healthy population screening.

NM_000528.4(MAN2B1):c.1472_1473insTC (p.Phe492fs)

Gene: MAN2B1 (mannosidase alpha class 2B member 1; minus strand). Cytogenetic location: 19p13.13.
Variant type: Insertion.
Coding change: c.1472_1473insTC on transcript NM_000528.4 (MANE Select); coding-DNA positions 1472 to 1473, TC inserted.
Protein change: p.Phe492fs; shifts the reading frame from phenylalanine 492.
Molecular consequence: frameshift variant.
Genome position: GRCh38 VCF-style: chr19-12657003-G-GGA. GRCh37 (hg19) VCF-style: chr19-12767817-G-GGA.
Other names: c.1469_1470insTC, p.Phe491fs (NM_001173498.2); c.1475_1476insTC, p.Phe493fs (NM_001440570.1); short protein forms F491fs, F492fs, F493fs.
Identifiers: ClinVar variation 5011562 (VCV005011562.1).